The following is an entry in ClinVar:

ClinVar aggregate classification (germline): Uncertain significance (1 of 4 stars; one submission).

Conditions:
Cardiomyopathy (CMYO). Also called: Cardiomyopathies. Identifiers: Orphanet 167848, MedGen C0878544, MONDO:0004994, HP:0001638. Inheritance: Various modes of inheritance.

Submission:

Color Diagnostics, LLC DBA Color Health
Classification: Uncertain significance for Cardiomyopathy. Last evaluated: 2023-12-05. Review status: criteria provided, single submitter. Criteria: ACMG Guidelines, 2015. Collection method: clinical testing. Allele origin: germline.
Comment: This missense variant replaces tyrosine with cysteine at codon 431 of the DSP protein. Computational prediction tools and conservation analyses suggest that this variant may have deleterious impact on the protein function. Computational splicing tools suggest that this variant may not impact RNA splicing. To our knowledge, functional assays have not been performed for this variant nor has this variant been reported in individuals affected with cardiovascular disorders in the literature. This variant has not been identified in the general population by the Genome Aggregation Database (gnomAD). Available evidence is insufficient to determine the role of this variant in disease conclusively. Therefore, this variant is classified as a Variant of Uncertain Significance.

NM_004415.4(DSP):c.1292A>G (p.Tyr431Cys)

Gene: DSP (desmoplakin; plus strand). Cytogenetic location: 6p24.3.
Variant type: single nucleotide variant.
Coding change: c.1292A>G on transcript NM_004415.4 (MANE Select); coding-DNA position 1292, A replaced by G.
Protein change: p.Tyr431Cys; replaces tyrosine 431 with cysteine.
Molecular consequence: missense variant.
Genome position (GRCh38, 1-based): chr6:7,568,462, A>G. VCF-style: chr6-7568462-A-G. GRCh37 (hg19) VCF-style: chr6-7568695-A-G.
Other names: c.1292A>G, p.Tyr431Cys (NM_001008844.3, NM_001319034.2); short protein forms Y431C.
Identifiers: ClinVar variation 924348 (VCV000924348.5), dbSNP rs1758929629, ClinGen allele CA362676334.